The following is an entry in ClinVar:

ClinVar aggregate classification (germline): Uncertain significance (1 of 4 stars; one submission).

Conditions:
Autosomal dominant polycystic kidney disease. Identifiers: Orphanet 730, MedGen C0085413, MONDO:0004691.

Submission:

Labcorp Genetics (formerly Invitae), Labcorp
Classification: Uncertain significance for Autosomal dominant polycystic kidney disease. Last evaluated: 2025-07-29. Review status: criteria provided, single submitter. Criteria: Invitae Variant Classification Sherloc (09022015). Collection method: clinical testing. Allele origin: germline.
Comment: This sequence change replaces arginine, which is basic and polar, with glutamine, which is neutral and polar, at codon 156 of the PKD2 protein (p.Arg156Gln). This variant is not present in population databases (gnomAD no frequency). This variant has not been reported in the literature in individuals affected with PKD2-related conditions. An algorithm developed to predict the effect of missense changes on protein structure and function outputs the following: PolyPhen-2: "Benign". The glutamine amino acid residue is found in multiple mammalian species, which suggests that this missense change does not adversely affect protein function. In summary, the available evidence is currently insufficient to determine the role of this variant in disease. Therefore, it has been classified as a Variant of Uncertain Significance.

NM_000297.4(PKD2):c.467G>A (p.Arg156Gln)

Genes: PKD2 (polycystin 2, transient receptor potential cation channel; plus strand), LOC129992813 (ATAC-STARR-seq lymphoblastoid silent region 15559; plus strand). Cytogenetic location: 4q22.1.
Variant type: single nucleotide variant.
Coding change: c.467G>A on transcript NM_000297.4 (MANE Select); coding-DNA position 467, G replaced by A.
Protein change: p.Arg156Gln; replaces arginine 156 with glutamine.
Molecular consequence: missense variant. On other transcripts: non-coding transcript variant (1).
Genome position (GRCh38, 1-based): chr4:88,008,200, G>A. VCF-style: chr4-88008200-G-A. GRCh37 (hg19) VCF-style: chr4-88929352-G-A.
Other names: c.467G>A, p.Arg156Gln (NM_001440544.1); short protein forms R156Q.
Identifiers: ClinVar variation 4740199 (VCV004740199.1).